The following is an entry in ClinVar:

NM_001267550.2(TTN):c.41367dup (p.Val13790fs)

Gene: TTN (titin; minus strand). Cytogenetic location: 2q31.2.
Variant type: Duplication.
Coding change: c.41367dup on transcript NM_001267550.2 (MANE Select); coding-DNA position 41367, one base duplicated (A; older notation c.41367dupA).
Protein change: p.Val13790fs; shifts the reading frame from valine 13790.
Molecular consequence: frameshift variant.
Genome position (GRCh38, 1-based): chr2:178,636,204, T duplicated on the plus strand (A on the coding strand, the reverse complement: TTN is on the minus strand); the first of 2 consecutive T bases (chr2:178,636,204-178,636,205); duplicating either gives the same sequence. VCF-style (leftmost placement, unchanged base first): chr2-178636203-C-CT. GRCh37 (hg19) VCF-style: chr2-179500930-C-CT.
Other names: c.36444dup, p.Val12149fs (NM_001256850.1); c.14172dup, p.Val4725fs (NM_003319.4); c.33663dup, p.Val11222fs (NM_133378.4); c.14547dup, p.Val4850fs (NM_133432.3); c.14748dup, p.Val4917fs (NM_133437.4); c.14172dupA (NM_003319.4); short protein forms V12149fs, V4725fs, V13790fs, V4850fs, V11222fs, V4917fs.
Identifiers: ClinVar variation 1772149 (VCV001772149.5), dbSNP rs2471619850, ClinGen allele CA2580064992.
Genomic context (GRCh38, chr2:178,636,203, plus strand): 5'-CGTCACGCTCTTTGTTTAACTCGCAGCTCAAGTACAATGGCTGTCCTTTGACCACTGTGA[C>CT]TTCCTCTTCCAGTGTTTTTACAAAACGCACAGGAAGTTCTATGGAGAATTTCAGTATATA-3'

ClinVar aggregate classification (germline): Likely pathogenic. Review status: criteria provided, multiple submitters, no conflicts (2 of 4 stars). 2 submissions from 2 submitters: Likely pathogenic (2). Last evaluated 2025-08-11.

Conditions:
Cardiovascular phenotype. Identifiers: MedGen CN230736.
Autosomal recessive limb-girdle muscular dystrophy type 2J (LGMDR10). Also called: MUSCULAR DYSTROPHY, LIMB-GIRDLE, AUTOSOMAL RECESSIVE 10; Limb-girdle muscular dystrophy, type 2J. Identifiers: Orphanet 140922, MedGen C1837342, MONDO:0012127, OMIM 608807.
Dilated cardiomyopathy 1G (CMD1G). Identifiers: Orphanet 154, MedGen C1858763, MONDO:0011400, OMIM 604145.

Submissions (2):

Labcorp Genetics (formerly Invitae), Labcorp
Classification: Likely pathogenic for Dilated cardiomyopathy 1G; Autosomal recessive limb-girdle muscular dystrophy type 2J. Last evaluated: 2025-08-11. Review status: criteria provided, single submitter. Criteria: Invitae Variant Classification Sherloc (09022015). Collection method: clinical testing. Allele origin: germline.
Comment: This sequence change creates a premature translational stop signal (p.Val13790Serfs*20) in the TTN gene. While this is not anticipated to result in nonsense mediated decay, it is expected to create a truncated TTN protein. This variant is not present in population databases (gnomAD no frequency). This variant has not been reported in the literature in individuals affected with TTN-related conditions. ClinVar contains an entry for this variant (Variation ID: 1772149). This variant is located in the I band of TTN (PMID: 25589632). Truncating variants in this region have been reported in individuals affected with autosomal recessive centronuclear myopathy (PMID: 23975875, internal data). Truncating variants in this region have also been identified in individuals affected with autosomal dominant dilated cardiomyopathy and/or cardio-related conditions (PMID: 27869827, 32964742, internal data). In summary, the currently available evidence indicates that the variant is pathogenic, but additional data are needed to prove that conclusively. Therefore, this variant has been classified as Likely Pathogenic.

Ambry Genetics
Classification: Likely pathogenic for Cardiovascular phenotype. Last evaluated: 2023-10-16. Review status: criteria provided, single submitter. Criteria: Ambry Variant Classification Scheme 2023. Collection method: clinical testing. Allele origin: germline.
Comment: The c.14172dupA variant, located in coding exon 53 of the TTN gene, results from a duplication of A at nucleotide position 14172, causing a translational frameshift with a predicted alternate stop codon (p.V4725Sfs*20). This exon is located in the I-band region of the N2-B isoform of the titin protein and is constitutively expressed in TTN transcripts (percent spliced in or PSI 100%). This variant is considered to be rare based on population cohorts in the Genome Aggregation Database (gnomAD). This alteration is expected to result in loss of function by premature protein truncation or nonsense-mediated mRNA decay. While truncating variants in TTN are present in 1-3% of the general population, truncating variants in the A-band are the most common cause of dilated cardiomyopathy (DCM) (Herman DS et al. N. Engl. J. Med. 2012 Feb;366:619-28; Roberts AM et al. Sci Transl Med. 2015 Jan;7:270ra6). TTN truncating variants encoded in constitutive exons (PSI >90%) have been found to be significantly associated with DCM regardless of their position in titin (Schafer S et al. Nat. Genet. 2017 Jan;49:46-53). As such, this alteration is classified as likely pathogenic.

Literature cited by the submitters: PubMed 25589632 (cited by Labcorp Genetics (formerly Invitae), Labcorp); PubMed 23975875 (cited by Labcorp Genetics (formerly Invitae), Labcorp); PubMed 27869827 (cited by Labcorp Genetics (formerly Invitae), Labcorp); PubMed 32964742 (cited by Labcorp Genetics (formerly Invitae), Labcorp).